The following is an entry in ClinVar:

ClinVar aggregate classification (germline): Uncertain significance (1 of 4 stars; one submission).

Conditions:
Gingival disorder. Also called: Gingival disease. Identifiers: MedGen C0017563, MONDO:0002021.

Allele frequency attached by ClinVar (database versions not stated): gnomAD 0.00001; gnomAD exomes 0.00001; TOPMed 0.00002; ExAC 0.00001.
gnomAD v4.1: 10 of 1,614,020 alleles (0.00062%); highest among the groups gnomAD compares: Admixed American, 0.013%; no homozygotes.

Submission:

Labcorp Genetics (formerly Invitae), Labcorp
Classification: Uncertain significance for Gingival disorder. Last evaluated: 2025-09-02. Review status: criteria provided, single submitter. Criteria: Invitae Variant Classification Sherloc (09022015). Collection method: clinical testing. Allele origin: germline.
Comment: This sequence change replaces valine, which is neutral and non-polar, with leucine, which is neutral and non-polar, at codon 47 of the FPR1 protein (p.Val47Leu). This variant is present in population databases (rs759165021, gnomAD 0.009%). This variant has not been reported in the literature in individuals affected with FPR1-related conditions. ClinVar contains an entry for this variant (Variation ID: 1418814). An algorithm developed to predict the effect of missense changes on protein structure and function (PolyPhen-2) suggests that this variant is likely to be disruptive. In summary, the available evidence is currently insufficient to determine the role of this variant in disease. Therefore, it has been classified as a Variant of Uncertain Significance.

NM_002029.4(FPR1):c.139G>T (p.Val47Leu)

Gene: FPR1 (formyl peptide receptor 1; minus strand). Cytogenetic location: 19q13.41.
Variant type: single nucleotide variant.
Coding change: c.139G>T on transcript NM_002029.4 (MANE Select); coding-DNA position 139, G replaced by T.
Protein change: p.Val47Leu; replaces valine 47 with leucine.
Molecular consequence: missense variant.
Genome position (GRCh38, 1-based): chr19:51,746,856, C>A on the plus strand (G>T on the coding strand, the complement: FPR1 is on the minus strand). VCF-style: chr19-51746856-C-A. GRCh37 (hg19) VCF-style: chr19-52250109-C-A.
Other names: c.139G>T, p.Val47Leu (NM_001193306.2); short protein forms V47L.
Identifiers: ClinVar variation 1418814 (VCV001418814.6), dbSNP rs759165021, ClinGen allele CA9616521.